The following is an entry in ClinVar:

NM_000133.4(F9):c.138G>C (p.Arg46Ser)

Gene: F9 (coagulation factor IX; plus strand). Cytogenetic location: Xq27.1.
Variant type: single nucleotide variant.
Coding change: c.138G>C on transcript NM_000133.4 (MANE Select); coding-DNA position 138, G replaced by C.
Protein change: p.Arg46Ser; replaces arginine 46 with serine.
Molecular consequence: missense variant.
Genome position (GRCh38, 1-based): chrX:139,537,059, G>C. VCF-style: chrX-139537059-G-C. GRCh37 (hg19) VCF-style: chrX-138619218-G-C.
Other names: NM_001313913.2:c.138G>C; c.138G>C, p.Arg46Ser (NM_001313913.2); short protein forms R46S.
Identifiers: ClinVar variation 4849522 (VCV004849522.1).

ClinVar aggregate classification (germline): Pathogenic (3 of 4 stars; one submission).

Conditions:
Hereditary factor IX deficiency disease (HEMB). Also called: PLASMA THROMBOPLASTIN COMPONENT DEFICIENCY; Christmas Disease; Hemophilia B; F9 DEFICIENCY; FACTOR IX DEFICIENCY. Identifiers: Orphanet 98879, MedGen C0008533, MeSH D002836, MONDO:0010604, OMIM 306900.

Submission:

ClinGen Coagulation Factor Deficiency Variant Curation Expert Panel, Clingen
Classification: Pathogenic for Hereditary factor IX deficiency disease. Last evaluated: 2026-04-10. Review status: reviewed by expert panel. Criteria: ClinGen CoagFactor ACMG Specifications F9 V2.1.0. Collection method: curation. Allele origin: germline. Inheritance: X-linked inheritance.
Comment: The c.138G>C variant in F9 is a possible cryptic splice variant predicted to cause substitution of arginine by serine at amino acid 46. This variant is completely absent from gnomAD v4.1.0 meeting PM2_Supporting. The variant has a REVEL score of 0.802 (>0.6) and SpliceAI predicts a cryptic donor gain with a score of 0.13. This variant is located within an exonic splicing silencer, and a minigene assay performed in BHK cells demonstrated that c.138G>C results in abnormal splicing and an out-of-frame transcript with a premature termination codon (PVS1_RNA, PMID: 26063760). An additional, protein-level functional study demonstrated p.Arg46Ser reduced secretion of a reporter protein (PMID: 32766856). However, because this variant has also been shown to disrupt splicing, the extent to which the observed functional effect is attributable to abnormal splicing versus the missense change itself remains unclear. At least 3 probands from the literature and internal laboratory data meet F9 phenotype criteria for PS4_Moderate (PMID: 25251685, PMID: 3461460, PMID: 7937052). Another variant impacting this same codon with a different nucleotide change, F9 c.138G>T, p.Arg46Ser, was classified at pathogenic using CFD VCEP rule specifications meeting PS1_Moderate. In summary, based on the evidence available at this time, this variant is classified as pathogenic for hemophilia B. ACMG/AMP criteria applied, as specified by the Coagulation Factor Deficiency Variant Curation Expert Panel v2.0.1: PVS1_RNA, PS1_Moderate, PS4_Moderate, PM2_Supporting.